The following is an entry in ClinVar:

ClinVar aggregate classification (germline): Uncertain significance (1 of 4 stars; one submission).

Allele frequency attached by ClinVar (database versions not stated): gnomAD exomes 0.00001; ExAC 0.00002; gnomAD 0.00003; TOPMed 0.00006.
gnomAD v4.1: 27 of 1,613,432 alleles (0.0017%); highest among the groups gnomAD compares: Admixed American, 0.0033%; no homozygotes.

Submission:

Labcorp Genetics (formerly Invitae), Labcorp
Classification: Uncertain significance. Last evaluated: 2024-12-20. Review status: criteria provided, single submitter. Criteria: Invitae Variant Classification Sherloc (09022015). Collection method: clinical testing. Allele origin: germline.
Comment: This sequence change falls in intron 11 of the PLG gene. It does not directly change the encoded amino acid sequence of the PLG protein. This variant is present in population databases (rs766011256, gnomAD 0.004%). This variant has not been reported in the literature in individuals affected with PLG-related conditions. ClinVar contains an entry for this variant (Variation ID: 2170413). Algorithms developed to predict the effect of sequence changes on RNA splicing suggest that this variant may disrupt the consensus splice site. In summary, the available evidence is currently insufficient to determine the role of this variant in disease. Therefore, it has been classified as a Variant of Uncertain Significance.

NM_000301.5(PLG):c.1439-7T>G

Gene: PLG (plasminogen; plus strand). Cytogenetic location: 6q26.
Variant type: single nucleotide variant.
Coding change: c.1439-7T>G on transcript NM_000301.5 (MANE Select); 7 bases into the intron before coding-DNA position 1439, T replaced by G.
Molecular consequence: intron variant.
Genome position (GRCh38, 1-based): chr6:160,731,738, T>G. VCF-style: chr6-160731738-T-G. GRCh37 (hg19) VCF-style: chr6-161152770-T-G.
Identifiers: ClinVar variation 2170413 (VCV002170413.4), dbSNP rs766011256, ClinGen allele CA4087793.